The following is an entry in ClinVar:

ClinVar aggregate classification (germline): Conflicting classifications of pathogenicity. Review status: criteria provided, conflicting classifications (1 of 4 stars). 6 submissions from 6 submitters: Uncertain significance (1); Benign (4). 1 of the submissions does not count toward it. Last evaluated 2026-07-01.

Conditions:
CBLIF-related disorder. Also called: CBLIF-related condition.
Hereditary intrinsic factor deficiency (IFD). Also called: Congenital intrinsic factor deficiency; PERNICIOUS ANEMIA, CONGENITAL, DUE TO DEFECT OF INTRINSIC FACTOR. Identifiers: Orphanet 332, MedGen C2062370, MONDO:0009852, OMIM 261000.

Allele frequency attached by ClinVar (database versions not stated): 1000 Genomes Project 30x 0.00250; 1000 Genomes Project 0.00280; TOPMed 0.00521; ESP Exome Variant Server 0.00739; gnomAD 0.00810 and 0.00842; ExAC 0.00889; gnomAD exomes 0.00900 and 0.01010.
gnomAD v4.1: 15,732 of 1,613,536 alleles (0.98%); highest among the groups gnomAD compares: Non-Finnish European, 1.1%; 136 homozygotes.

Submissions (6):

CeGaT Center for Human Genetics Tuebingen
Classification: Benign. Last evaluated: 2026-07-01. Review status: criteria provided, single submitter. Criteria: CeGaT Center For Human Genetics Tuebingen Variant Classification Criteria Version 2. Collection method: clinical testing. Allele origin: germline. Affected: yes. Observed: 2 variant alleles.
Comment: CBLIF: BS1, BS2

Labcorp Genetics (formerly Invitae), Labcorp
Classification: Benign for Hereditary intrinsic factor deficiency. Last evaluated: 2026-01-15. Review status: criteria provided, single submitter. Criteria: Invitae Variant Classification Sherloc (09022015). Collection method: clinical testing. Allele origin: germline.

ARUP Laboratories, Molecular Genetics and Genomics, ARUP Laboratories
Classification: Uncertain significance for Hereditary intrinsic factor deficiency. Last evaluated: 2024-11-21. Review status: criteria provided, single submitter. Criteria: ARUP Molecular Germline Variant Investigation Process 2024. Collection method: clinical testing. Allele origin: germline.
Comment: The CBLIF c.290T>C p.Met97Thr variant (rs150884181, ClinVar Variation ID: 305040) has been observed in trans opposite the pathogenic c.79+1G>A variant in two individuals recruited for suspicion of inherited VB12 deficiency (Overgaard 2010 and Tanner 2012). Additionally, individuals heterozygous for the p.Met97Thr variant and harboring the FUT2 polymorphic â€œsecretorâ€ genotype (rs601338 GG/GA) have been shown to have an increased risk for VB12 deficiency (Chery 2013) and neural tube defects (NTDs; Gueant-Rodriguez 2018). Functional studies have also shown that CBLIF protein harboring the p.Met97Thr variant has a reduced ability to bind VB12 (Chery 2013). However, the p.Met97Thr variant is common in the general population and is specifically found in the Finnish population with an allele frequency of 3.6% (909/25108 alleles, including 24 homozygotes) in the Genome Aggregation Database. This suggests that the p.Met97Thr variant may be a contributing risk factor in elevated VB12, but is unlikely to have a strong, monogenic effect. Due to conflicting information, the clinical significance of the p.Met97Thr variant is uncertain at this time. References: Gueant-Rodriguez RM et al. Association of combined GIF290T>C heterozygous mutation/FUT2 secretor variant with neural tube defects. Clin Genet. 2018 Jan;93(1):191-193. PMID: 28742214. Chery C, et al. Gastric intrinsic factor deficiency with combined GIF heterozygous mutations and FUT2 secretor variant. Biochimie. 2013 May;95(5):995-100. PMID: 23402911. Overgaard UM, et al. Vitamin B12 deficiency in a 15-year old boy due to mutations in the intrinsic factor gene, GIF. Br J Haematol. 2010 Aug;150(3):369-71. PMID: 20408840 Tanner SM, et al. Inherited cobalamin malabsorption. Mutations in three genes reveal functional and ethnic patterns. Orphanet J Rare Dis. 2012 Aug 28;7:56. PMID: 22929189

Illumina Laboratory Services, Illumina
Classification: Benign for Hereditary intrinsic factor deficiency. Last evaluated: 2018-03-06. Review status: criteria provided, single submitter. Criteria: ICSL Variant Classification Criteria 13 December 2019. Collection method: clinical testing. Allele origin: germline.
Comment: This variant was observed in the ICSL laboratory as part of a predisposition screen in an ostensibly healthy population. It had not been previously curated by ICSL or reported in the Human Gene Mutation Database (HGMD: prior to June 1st, 2018), and was therefore a candidate for classification through an automated scoring system. Utilizing variant allele frequency, disease prevalence and penetrance estimates, and inheritance mode, an automated score was calculated to assess if this variant is too frequent to cause the disease. Based on the score and internal cut-off values, a variant classified as benign is not then subjected to further curation. The score for this variant resulted in a classification of benign for this disease.

Breakthrough Genomics
Classification: Benign. Review status: criteria provided, single submitter. Criteria: ACMG Guidelines, 2015. Collection method: not provided. Allele origin: germline. Inheritance: Autosomal recessive inheritance. Affected: yes.

PreventionGenetics, part of Exact Sciences
Classification: Likely benign for CBLIF-related condition. Last evaluated: 2020-04-29. Review status: no assertion criteria provided. Collection method: clinical testing. Allele origin: germline. Not counted in ClinVar's aggregate classification.
Comment: This variant is classified as likely benign based on ACMG/AMP sequence variant interpretation guidelines (Richards et al. 2015 PMID: 25741868, with internal and published modifications).

NM_005142.3(CBLIF):c.290T>C (p.Met97Thr)

Gene: CBLIF (cobalamin binding intrinsic factor; minus strand). Cytogenetic location: 11q12.1.
Variant type: single nucleotide variant.
Coding change: c.290T>C on transcript NM_005142.3 (MANE Select); coding-DNA position 290, T replaced by C.
Protein change: p.Met97Thr; replaces methionine 97 with threonine.
Molecular consequence: missense variant.
Genome position (GRCh38, 1-based): chr11:59,843,108, A>G on the plus strand (T>C on the coding strand, the complement: CBLIF is on the minus strand). VCF-style: chr11-59843108-A-G. GRCh37 (hg19) VCF-style: chr11-59610581-A-G.
Other names: short protein forms M97T.
Identifiers: ClinVar variation 305040 (VCV000305040.41), dbSNP rs150884181, ClinGen allele CA6021616.